The following is an entry in ClinVar:

ClinVar aggregate classification (germline): Uncertain significance (1 of 4 stars; one submission).

Conditions:
Oligodontia-cancer predisposition syndrome. Also called: TOOTH AGENESIS-COLORECTAL CANCER SYNDROME. Identifiers: Orphanet 300576, MedGen C1837750, MONDO:0012075, OMIM 608615. Disease mechanism: loss of function.

Allele frequency attached by ClinVar (database versions not stated): gnomAD exomes below 0.00001.
gnomAD v4.1: 2 of 1,614,032 alleles (0.00012%); highest among the groups gnomAD compares: South Asian, 0.0022%; no homozygotes.

Submission:

Labcorp Genetics (formerly Invitae), Labcorp
Classification: Uncertain significance for Oligodontia-cancer predisposition syndrome. Last evaluated: 2021-06-16. Review status: criteria provided, single submitter. Criteria: Invitae Variant Classification Sherloc (09022015). Collection method: clinical testing. Allele origin: germline.
Comment: This sequence change replaces arginine with proline at codon 538 of the AXIN2 protein (p.Arg538Pro). The arginine residue is highly conserved and there is a moderate physicochemical difference between arginine and proline. This variant is not present in population databases (ExAC no frequency). This variant has not been reported in the literature in individuals with AXIN2-related conditions. Algorithms developed to predict the effect of missense changes on protein structure and function are either unavailable or do not agree on the potential impact of this missense change (SIFT: "Deleterious"; PolyPhen-2: "Possibly Damaging"; Align-GVGD: "Class C0"). In summary, the available evidence is currently insufficient to determine the role of this variant in disease. Therefore, it has been classified as a Variant of Uncertain Significance.

NM_004655.4(AXIN2):c.1613G>C (p.Arg538Pro)

Gene: AXIN2 (axin 2; minus strand). Cytogenetic location: 17q24.1.
Variant type: single nucleotide variant.
Coding change: c.1613G>C on transcript NM_004655.4 (MANE Select); coding-DNA position 1613, G replaced by C.
Protein change: p.Arg538Pro; replaces arginine 538 with proline.
Molecular consequence: missense variant.
Genome position (GRCh38, 1-based): chr17:65,537,423, C>G on the plus strand (G>C on the coding strand, the complement: AXIN2 is on the minus strand). VCF-style: chr17-65537423-C-G. GRCh37 (hg19) VCF-style: chr17-63533541-C-G.
Other names: c.1613G>C, p.Arg538Pro (NM_001363813.1); short protein forms R538P.
Identifiers: ClinVar variation 1361714 (VCV001361714.8), dbSNP rs1064793764, ClinGen allele CA400677152.